The following is an entry in ClinVar:

NM_000243.3(MEFV):c.2184C>A (p.Ser728Arg)

Gene: MEFV (MEFV innate immunity regulator, pyrin; minus strand). Cytogenetic location: 16p13.3.
Variant type: single nucleotide variant.
Coding change: c.2184C>A on transcript NM_000243.3 (MANE Select); coding-DNA position 2184, C replaced by A.
Protein change: p.Ser728Arg; replaces serine 728 with arginine.
Molecular consequence: missense variant. On other transcripts: 3 prime UTR variant (1).
Genome position (GRCh38, 1-based): chr16:3,243,303, G>T on the plus strand (C>A on the coding strand, the complement: MEFV is on the minus strand). VCF-style: chr16-3243303-G-T. GRCh37 (hg19) VCF-style: chr16-3293303-G-T.
Other names: c.*388C>A (NM_001198536.2); short protein forms S728R.
Identifiers: ClinVar variation 3898738 (VCV003898738.7).

ClinVar aggregate classification (germline): Uncertain significance (1 of 4 stars; one submission).

Submission:

CeGaT Center for Human Genetics Tuebingen
Classification: Uncertain significance. Last evaluated: 2025-04-01. Review status: criteria provided, single submitter. Criteria: CeGaT Center For Human Genetics Tuebingen Variant Classification Criteria Version 2. Collection method: clinical testing. Allele origin: germline. Affected: yes. Observed: 1 variant allele.
Comment: MEFV: PM2, BP4